The following is an entry in ClinVar:

NM_003906.5(MCM3AP):c.3495A>T (p.Leu1165Phe)

Gene: MCM3AP (minichromosome maintenance complex component 3 associated protein; minus strand). Cytogenetic location: 21q22.3.
Variant type: single nucleotide variant.
Coding change: c.3495A>T on transcript NM_003906.5 (MANE Select); coding-DNA position 3495, A replaced by T.
Protein change: p.Leu1165Phe; replaces leucine 1165 with phenylalanine.
Molecular consequence: missense variant.
Genome position (GRCh38, 1-based): chr21:46,260,879, T>A on the plus strand (A>T on the coding strand, the complement: MCM3AP is on the minus strand). VCF-style: chr21-46260879-T-A. GRCh37 (hg19) VCF-style: chr21-47680793-T-A.
Other names: short protein forms L1165F.
Identifiers: ClinVar variation 2082874 (VCV002082874.1), dbSNP rs1444656317, ClinGen allele CA410554618.

ClinVar aggregate classification (germline): Uncertain significance (1 of 4 stars; one submission).

Allele frequency attached by ClinVar (database versions not stated): gnomAD exomes below 0.00001; gnomAD 0.00001; TOPMed 0.00001.
gnomAD v4.1: 9 of 1,613,600 alleles (0.00056%); highest among the groups gnomAD compares: East Asian, 0.0045%; no homozygotes.

Submission:

Labcorp Genetics (formerly Invitae), Labcorp
Classification: Uncertain significance. Last evaluated: 2022-08-07. Review status: criteria provided, single submitter. Criteria: Invitae Variant Classification Sherloc (09022015). Collection method: clinical testing. Allele origin: germline.
Comment: This sequence change replaces leucine, which is neutral and non-polar, with phenylalanine, which is neutral and non-polar, at codon 1165 of the MCM3AP protein (p.Leu1165Phe). This variant is present in population databases (no rsID available, gnomAD 0.003%). This variant has not been reported in the literature in individuals affected with MCM3AP-related conditions. Algorithms developed to predict the effect of missense changes on protein structure and function are either unavailable or do not agree on the potential impact of this missense change (SIFT: "Deleterious"; PolyPhen-2: "Probably Damaging"; Align-GVGD: "Class C0"). In summary, the available evidence is currently insufficient to determine the role of this variant in disease. Therefore, it has been classified as a Variant of Uncertain Significance.